The following is an entry in ClinVar:

ClinVar aggregate classification (germline): Uncertain significance (1 of 4 stars; one submission).

Allele frequency attached by ClinVar (database versions not stated): gnomAD 0.00001; gnomAD exomes 0.00001; TOPMed 0.00001.
gnomAD v4.1: 20 of 1,614,068 alleles (0.0012%); highest among the groups gnomAD compares: Non-Finnish European, 0.0017%; no homozygotes.

Submission:

Labcorp Genetics (formerly Invitae), Labcorp
Classification: Uncertain significance. Last evaluated: 2022-12-12. Review status: criteria provided, single submitter. Criteria: Invitae Variant Classification Sherloc (09022015). Collection method: clinical testing. Allele origin: germline.
Comment: This variant is present in population databases (no rsID available, gnomAD 0.0009%). This sequence change replaces isoleucine, which is neutral and non-polar, with valine, which is neutral and non-polar, at codon 46 of the SCARB1 protein (p.Ile46Val). This variant has not been reported in the literature in individuals affected with SCARB1-related conditions. Advanced modeling of protein sequence and biophysical properties (such as structural, functional, and spatial information, amino acid conservation, physicochemical variation, residue mobility, and thermodynamic stability) performed at Invitae indicates that this missense variant is not expected to disrupt SCARB1 protein function. In summary, the available evidence is currently insufficient to determine the role of this variant in disease. Therefore, it has been classified as a Variant of Uncertain Significance.

NM_005505.5(SCARB1):c.136A>G (p.Ile46Val)

Gene: SCARB1 (scavenger receptor class B member 1; minus strand). Cytogenetic location: 12q24.31.
Variant type: single nucleotide variant.
Coding change: c.136A>G on transcript NM_005505.5 (MANE Select); coding-DNA position 136, A replaced by G.
Protein change: p.Ile46Val; replaces isoleucine 46 with valine.
Molecular consequence: missense variant. On other transcripts: non-coding transcript variant (9).
Genome position (GRCh38, 1-based): chr12:124,817,698, T>C on the plus strand (A>G on the coding strand, the complement: SCARB1 is on the minus strand). VCF-style: chr12-124817698-T-C. GRCh37 (hg19) VCF-style: chr12-125302244-T-C.
Other names: c.136A>G, p.Ile46Val (NM_001082959.2, NM_001367981.1, NM_001367983.1 and 6 more transcripts); c.13A>G, p.Ile5Val (NM_001367982.1); short protein forms I46V, I5V.
Identifiers: ClinVar variation 2909467 (VCV002909467.3), dbSNP rs1413305598, ClinGen allele CA387209880.